The following is an entry in ClinVar:

ClinVar aggregate classification (germline): Uncertain significance (1 of 4 stars; one submission).

Allele frequency attached by ClinVar (database versions not stated): gnomAD exomes below 0.00001.
gnomAD v4.1: 1 of 1,613,590 alleles (0.000062%); highest among the groups gnomAD compares: Admixed American, 0.0017%; no homozygotes.

Submission:

Labcorp Genetics (formerly Invitae), Labcorp
Classification: Uncertain significance. Last evaluated: 2025-03-19. Review status: criteria provided, single submitter. Criteria: Invitae Variant Classification Sherloc (09022015). Collection method: clinical testing. Allele origin: germline.
Comment: This sequence change replaces glycine, which is neutral and non-polar, with serine, which is neutral and polar, at codon 248 of the LZTS1 protein (p.Gly248Ser). This variant is not present in population databases (gnomAD no frequency). This variant has not been reported in the literature in individuals affected with LZTS1-related conditions. ClinVar contains an entry for this variant (Variation ID: 2166563). Invitae Evidence Modeling of protein sequence and biophysical properties (such as structural, functional, and spatial information, amino acid conservation, physicochemical variation, residue mobility, and thermodynamic stability) indicates that this missense variant is not expected to disrupt LZTS1 protein function with a negative predictive value of 80%. In summary, the available evidence is currently insufficient to determine the role of this variant in disease. Therefore, it has been classified as a Variant of Uncertain Significance.

NM_021020.5(LZTS1):c.742G>A (p.Gly248Ser)

Gene: LZTS1 (leucine zipper tumor suppressor 1; minus strand). Cytogenetic location: 8p21.3.
Variant type: single nucleotide variant.
Coding change: c.742G>A on transcript NM_021020.5 (MANE Select); coding-DNA position 742, G replaced by A.
Protein change: p.Gly248Ser; replaces glycine 248 with serine.
Molecular consequence: missense variant.
Genome position (GRCh38, 1-based): chr8:20,253,189, C>T on the plus strand (G>A on the coding strand, the complement: LZTS1 is on the minus strand). VCF-style: chr8-20253189-C-T. GRCh37 (hg19) VCF-style: chr8-20110700-C-T.
Other names: c.742G>A, p.Gly248Ser (NM_001362884.2); short protein forms G248S.
Identifiers: ClinVar variation 2166563 (VCV002166563.4), dbSNP rs2486312558, ClinGen allele CA370477627.
Genomic context (GRCh38, chr8:20,253,189, plus strand): 5'-GCTCCAGCTCCTGGATGCTGCACTCGTCCGTGGAGATGGGGGAGCGGACACACGAGGGGC[C>T]CTTGTCTGCCTTGTTCGAGTGGCCCAGCTTGCTACCTCCGTCGGAGAAGGACAGAGCCTT-3'
Protein context (NP_066300.1, residues 238-258): KLGHSNKADK[Gly248Ser]PSCVRSPIST